The following is an entry in ClinVar:

ClinVar aggregate classification (germline): Likely pathogenic. Review status: criteria provided, multiple submitters, no conflicts (2 of 4 stars). 6 submissions from 6 submitters: Likely pathogenic (5). 1 of the submissions does not count toward it. Last evaluated 2025-04-15.
ClinVar aggregate classification (oncogenicity): Likely oncogenic (1 of 4 stars; one submission).

Conditions:
Hereditary cancer-predisposing syndrome. Also called: Tumor predisposition; Neoplastic Syndromes, Hereditary; Hereditary Cancer Syndrome; Hereditary neoplastic syndrome. Identifiers: Orphanet 140162, MedGen C0027672, MeSH D009386, MONDO:0015356.
Hereditary breast ovarian cancer syndrome. Also called: Hereditary breast and ovarian cancer syndrome; Hereditary breast and ovarian cancer; Hereditary breast and ovarian cancer syndrome (HBOC); Hereditary breast and/or ovarian cancer syndrome; Breast and ovarian cancer; BRCA1- and BRCA2-Associated Hereditary Breast and Ovarian Cancer. Identifiers: Orphanet 145, MedGen C0677776, MeSH D061325, MONDO:0003582. Disease mechanism: loss of function.
CHEK2-related cancer predisposition (TPDS4). Also called: TUMOR PREDISPOSITION SYNDROME 4; CANCER PREDISPOSITION SYNDROME, CHEK2-RELATED; CHEK2-related cancer susceptibility. Identifiers: Orphanet 524, MedGen C5882668, MONDO:0700271, OMIM 609265.
Familial cancer of breast. Also called: Hereditary breast cancer; BREAST CANCER, FAMILIAL; hereditary breast carcinoma. Identifiers: Orphanet 227535, MedGen C0346153, MONDO:0016419, OMIM 114480. Disease mechanism: loss of function.
Neoplasm. Also called: tumor; Neoplasms; Neoplasm (disease). Identifiers: MedGen C0027651, MeSH D009369, MONDO:0005070, HP:0002664.

Submissions (7):

Women's Health and Genetics/Laboratory Corporation of America, LabCorp
Classification: Likely pathogenic for Hereditary breast ovarian cancer syndrome. Last evaluated: 2025-04-15. Review status: criteria provided, single submitter. Criteria: LabCorp Variant Classification Summary - May 2015. Collection method: clinical testing. Allele origin: germline.
Comment: Variant summary: CHEK2 c.683+1G>A is located in a canonical splice-site and is predicted to affect mRNA splicing resulting in a significantly altered protein due to either exon skipping, shortening, or inclusion of intronic material. Variants that disrupt the consensus splice site are a relatively common cause of aberrant splicing and loss of CHEK2 function. Several computational tools predict a significant impact on normal splicing: Four predict the variant abolishes a 5' splicing donor site. However, these predictions have yet to be confirmed by functional studies. The variant was absent in 204596 control chromosomes. To our knowledge, no occurrence of c.683+1G>A in individuals affected with Hereditary Breast And Ovarian Cancer Syndrome and no experimental evidence demonstrating its impact on protein function have been reported. ClinVar contains an entry for this variant (Variation ID: 240751). Based on the evidence outlined above, the variant was classified as likely pathogenic.

Center for Genomic Medicine, Rigshospitalet, Copenhagen University Hospital
Classification: Likely oncogenic for Neoplasm. Last evaluated: 2025-03-04. Review status: criteria provided, single submitter. Criteria: ClinGen/CGC/VICC Guidelines for Oncogenicity, 2022. Collection method: clinical testing. Allele origin: somatic. Affected: yes.

Labcorp Genetics (formerly Invitae), Labcorp
Classification: Likely pathogenic for Familial cancer of breast. Last evaluated: 2024-11-07. Review status: criteria provided, single submitter. Criteria: Invitae Variant Classification Sherloc (09022015). Collection method: clinical testing. Allele origin: germline.
Comment: This sequence change affects a donor splice site in intron 5 of the CHEK2 gene. It is expected to disrupt RNA splicing. Variants that disrupt the donor or acceptor splice site typically lead to a loss of protein function (PMID: 16199547), and loss-of-function variants in CHEK2 are known to be pathogenic (PMID: 21876083, 24713400). This variant is not present in population databases (gnomAD no frequency). This variant has not been reported in the literature in individuals affected with CHEK2-related conditions. ClinVar contains an entry for this variant (Variation ID: 240751). Algorithms developed to predict the effect of sequence changes on RNA splicing suggest that this variant may disrupt the consensus splice site. In summary, the currently available evidence indicates that the variant is pathogenic, but additional data are needed to prove that conclusively. Therefore, this variant has been classified as Likely Pathogenic.

Ambry Genetics
Classification: Likely pathogenic for Hereditary cancer-predisposing syndrome. Last evaluated: 2024-09-30. Review status: criteria provided, single submitter. Criteria: Ambry Variant Classification Scheme 2023. Collection method: clinical testing. Allele origin: germline.
Comment: The c.683+1G>A intronic variant results from a G to A substitution one nucleotide after coding exon 4 of the CHEK2 gene. This nucleotide position is highly conserved in available vertebrate species. In silico splice site analysis predicts that this alteration will weaken the native splice donor site. RNA studies have demonstrated that this alteration results in abnormal splicing in the set of samples tested (Ambry internal data). This variant is considered to be rare based on population cohorts in the Genome Aggregation Database (gnomAD). Alterations that disrupt the canonical splice site are expected to cause aberrant splicing, resulting in an abnormal protein or a transcript that is subject to nonsense-mediated mRNA decay. As such, this alteration is classified as likely pathogenic.

Baylor Genetics
Classification: Likely pathogenic for Familial cancer of breast. Last evaluated: 2023-12-16. Review status: criteria provided, single submitter. Criteria: ACMG Guidelines, 2015. Collection method: clinical testing. Allele origin: unknown.

Myriad Genetics, Inc.
Classification: Likely pathogenic for Familial cancer of breast. Last evaluated: 2023-06-26. Review status: criteria provided, single submitter. Criteria: Myriad Autosomal Dominant, Autosomal Recessive and X-Linked Classification Criteria (2023). Collection method: clinical testing. Allele origin: unknown.
Comment: This variant is considered likely pathogenic. This variant occurs within a consensus splice junction and is predicted to result in abnormal mRNA splicing of either an out-of-frame exon or an in-frame exon necessary for protein stability and/or normal function.

Zotz-Klimas Genetics Lab, MVZ Zotz Klimas
Classification: Likely pathogenic for CHEK2-related cancer predisposition. Last evaluated: 2023-10-09. Review status: no assertion criteria provided. Collection method: clinical testing. Allele origin: germline. Affected: yes. Not counted in ClinVar's aggregate classification.

Literature cited by the submitters: PubMed 16199547 (cited by Labcorp Genetics (formerly Invitae), Labcorp); PubMed 21876083 (cited by Labcorp Genetics (formerly Invitae), Labcorp); PubMed 24713400 (cited by Labcorp Genetics (formerly Invitae), Labcorp).

NM_007194.4(CHEK2):c.683+1G>A

Gene: CHEK2 (checkpoint kinase 2; minus strand). Cytogenetic location: 22q12.1.
Variant type: single nucleotide variant.
Coding change: c.683+1G>A on transcript NM_007194.4 (MANE Select); the canonical splice donor site of the intron after coding-DNA position 683, G replaced by A.
Molecular consequence: splice donor variant. On other transcripts: intron variant (1).
Genome position (GRCh38, 1-based): chr22:28,719,394, C>T on the plus strand (G>A on the coding strand, the complement: CHEK2 is on the minus strand). VCF-style: chr22-28719394-C-T. GRCh37 (hg19) VCF-style: chr22-29115382-C-T.
Other names: c.20+1G>A (NM_001437942.1, NM_001257387.3); c.482+5492G>A (NM_001349956.3); c.683+1G>A (NM_145862.3); c.776+1G>A (NM_001438295.1, NM_001438293.1); c.812+1G>A (NM_001438294.1, NM_001005735.3).
Identifiers: ClinVar variation 240751 (VCV000240751.21), dbSNP rs786203650, ClinGen allele CA10583911.